The following is an entry in ClinVar:

NM_152743.4(BRAT1):c.2169_2171del (p.Leu724del)

Gene: BRAT1 (BRCA1 associated ATM activator 1; minus strand). Cytogenetic location: 7p22.3.
Variant type: Deletion.
Coding change: c.2169_2171del on transcript NM_152743.4 (MANE Select); coding-DNA positions 2169 to 2171, 3 bases deleted (TCT; older notation c.2169_2171delTCT).
Protein change: p.Leu724del; deletes leucine 724.
Molecular consequence: inframe deletion. On other transcripts: non-coding transcript variant (1).
Genome position (GRCh38, 1-based): chr7:2,538,364-2,538,366, AGA deleted on the plus strand (TCT on the coding strand, the reverse complement: BRAT1 is on the minus strand); deleting any 3 consecutive bases within chr7:2,538,364-2,538,368 gives the same sequence; the c. name uses the placement nearest the transcript's 3' end. VCF-style (leftmost placement, unchanged base first): chr7-2538363-GAGA-G. GRCh37 (hg19) VCF-style: chr7-2577997-GAGA-G.
Other names: c.2349_2351del, p.Leu784del (NM_001350626.2); c.1644_1646del, p.Leu549del (NM_001350627.2); short protein forms L549del, L784del, L724del.
Identifiers: ClinVar variation 1524343 (VCV001524343.7), dbSNP rs762488461, ClinGen allele CA4127439.

ClinVar aggregate classification (germline): Uncertain significance (1 of 4 stars; one submission).

Conditions:
Neonatal-onset encephalopathy with rigidity and seizures. Also called: Lethal neonatal spasticity-epileptic encephalopathy syndrome. Identifiers: Orphanet 435845, MedGen C3281029, MONDO:0013784, OMIM 614498.

Submission:

Labcorp Genetics (formerly Invitae), Labcorp
Classification: Uncertain significance for Neonatal-onset encephalopathy with rigidity and seizures. Last evaluated: 2024-06-24. Review status: criteria provided, single submitter. Criteria: Invitae Variant Classification Sherloc (09022015). Collection method: clinical testing. Allele origin: germline.
Comment: This variant, c.2169_2171del, results in the deletion of 1 amino acid(s) of the BRAT1 protein (p.Leu724del), but otherwise preserves the integrity of the reading frame. This variant is present in population databases (rs762488461, gnomAD 0.0009%). This variant has not been reported in the literature in individuals affected with BRAT1-related conditions. ClinVar contains an entry for this variant (Variation ID: 1524343). Experimental studies and prediction algorithms are not available or were not evaluated, and the functional significance of this variant is currently unknown. In summary, the available evidence is currently insufficient to determine the role of this variant in disease. Therefore, it has been classified as a Variant of Uncertain Significance.